The following is an entry in ClinVar:

NM_002292.4(LAMB2):c.4877G>C (p.Arg1626Pro)

Gene: LAMB2 (laminin subunit beta 2; minus strand). Cytogenetic location: 3p21.31.
Variant type: single nucleotide variant.
Coding change: c.4877G>C on transcript NM_002292.4 (MANE Select); coding-DNA position 4877, G replaced by C.
Protein change: p.Arg1626Pro; replaces arginine 1626 with proline.
Molecular consequence: missense variant.
Genome position (GRCh38, 1-based): chr3:49,121,990, C>G on the plus strand (G>C on the coding strand, the complement: LAMB2 is on the minus strand). VCF-style: chr3-49121990-C-G. GRCh37 (hg19) VCF-style: chr3-49159423-C-G.
Other names: short protein forms R1626P.
Identifiers: ClinVar variation 472490 (VCV000472490.7), dbSNP rs752674803, ClinGen allele CA352686980.

ClinVar aggregate classification (germline): Uncertain significance (1 of 4 stars; one submission).

Conditions:
Pierson syndrome. Also called: MICROCORIA-CONGENITAL NEPHROTIC SYNDROME. Identifiers: Orphanet 2670, MedGen C1836876, MONDO:0012184, OMIM 609049.
LAMB2-related infantile-onset nephrotic syndrome. Also called: NEPHROTIC SYNDROME, TYPE 5, WITHOUT OCULAR ABNORMALITIES; NEPHROTIC SYNDROME, TYPE 5, WITH OCULAR ABNORMALITIES; Nephrotic Syndrome, type 5. Identifiers: Orphanet 306507, MedGen C3280113, MONDO:0013621, OMIM 614199.

Allele frequency attached by ClinVar (database versions not stated): TOPMed 0.00001.
gnomAD v4.1: 3 of 1,613,936 alleles (0.00019%); highest among the groups gnomAD compares: South Asian, 0.0011%; no homozygotes.

Submission:

Labcorp Genetics (formerly Invitae), Labcorp
Classification: Uncertain significance for LAMB2-related infantile-onset nephrotic syndrome; Pierson syndrome. Last evaluated: 2022-03-09. Review status: criteria provided, single submitter. Criteria: Invitae Variant Classification Sherloc (09022015). Collection method: clinical testing. Allele origin: germline.
Comment: This variant has not been reported in the literature in individuals affected with LAMB2-related conditions. In summary, the available evidence is currently insufficient to determine the role of this variant in disease. Therefore, it has been classified as a Variant of Uncertain Significance. Algorithms developed to predict the effect of missense changes on protein structure and function (SIFT, PolyPhen-2, Align-GVGD) all suggest that this variant is likely to be tolerated. ClinVar contains an entry for this variant (Variation ID: 472490). This variant is not present in population databases (gnomAD no frequency). This sequence change replaces arginine, which is basic and polar, with proline, which is neutral and non-polar, at codon 1626 of the LAMB2 protein (p.Arg1626Pro).